The following is an entry in ClinVar:

ClinVar aggregate classification (germline): Uncertain significance. Review status: criteria provided, multiple submitters, no conflicts (2 of 4 stars). 3 submissions from 2 submitters: Uncertain significance (3). Last evaluated 2023-01-02.

Conditions:
Charcot-Marie-Tooth disease type 2. Also called: Charcot-Marie-Tooth type 2. Identifiers: Orphanet 64746, MedGen C0270914, MONDO:0018993.
Hereditary motor and sensory neuropathy with optic atrophy. Also called: PERIPHERAL NEUROPATHY AND OPTIC ATROPHY; CHARCOT-MARIE-TOOTH DISEASE, TYPE 6. Identifiers: Orphanet 90120, MedGen C0393807, MONDO:0019551.

Submissions (3):

Labcorp Genetics (formerly Invitae), Labcorp
Classification: Uncertain significance for Charcot-Marie-Tooth disease type 2. Last evaluated: 2023-01-02. Review status: criteria provided, single submitter. Criteria: Invitae Variant Classification Sherloc (09022015). Collection method: clinical testing. Allele origin: germline.
Comment: In summary, the available evidence is currently insufficient to determine the role of this variant in disease. Therefore, it has been classified as a Variant of Uncertain Significance. Advanced modeling of protein sequence and biophysical properties (such as structural, functional, and spatial information, amino acid conservation, physicochemical variation, residue mobility, and thermodynamic stability) performed at Invitae indicates that this missense variant is not expected to disrupt MFN2 protein function. ClinVar contains an entry for this variant (Variation ID: 874759). This variant has not been reported in the literature in individuals affected with MFN2-related conditions. This variant is not present in population databases (gnomAD no frequency). This sequence change replaces histidine, which is basic and polar, with arginine, which is basic and polar, at codon 544 of the MFN2 protein (p.His544Arg).

Illumina Laboratory Services, Illumina
Classification: Uncertain significance for Neuropathy, hereditary motor and sensory, type 6A. Last evaluated: 2018-01-13. Review status: criteria provided, single submitter. Criteria: ICSL Variant Classification Criteria 13 December 2019. Collection method: clinical testing. Allele origin: germline.

Illumina Laboratory Services, Illumina
Classification: Uncertain significance for Charcot-Marie-Tooth disease, type 2. Last evaluated: 2018-01-13. Review status: criteria provided, single submitter. Criteria: ICSL Variant Classification Criteria 13 December 2019. Collection method: clinical testing. Allele origin: germline.

NM_014874.4(MFN2):c.1631A>G (p.His544Arg)

Gene: MFN2 (mitofusin 2; plus strand). Cytogenetic location: 1p36.22.
Variant type: single nucleotide variant.
Coding change: c.1631A>G on transcript NM_014874.4 (MANE Select); coding-DNA position 1631, A replaced by G.
Protein change: p.His544Arg; replaces histidine 544 with arginine.
Molecular consequence: missense variant.
Genome position (GRCh38, 1-based): chr1:12,005,846, A>G. VCF-style: chr1-12005846-A-G. GRCh37 (hg19) VCF-style: chr1-12065903-A-G.
Other names: c.1631A>G, p.His544Arg (NM_001127660.2); short protein forms H544R.
Identifiers: ClinVar variation 874759 (VCV000874759.7), dbSNP rs1639384043, ClinGen allele CA338448114.